The following is an entry in ClinVar:

NM_007194.4(CHEK2):c.-7+10A>T

Genes: CHEK2 (checkpoint kinase 2; minus strand), LOC130067165 (ATAC-STARR-seq lymphoblastoid active region 18804; plus strand). Cytogenetic location: 22q12.1.
Variant type: single nucleotide variant.
Coding change: c.-7+10A>T on transcript NM_007194.4 (MANE Select); 10 bases into the intron after 7 bases upstream of the start codon, A replaced by T.
Molecular consequence: intron variant.
Genome position (GRCh38, 1-based): chr22:28,741,759, T>A on the plus strand (A>T on the coding strand, the complement: CHEK2 is on the minus strand). VCF-style: chr22-28741759-T-A. GRCh37 (hg19) VCF-style: chr22-29137747-T-A.
Other names: c.-345+10A>T (NM_001437942.1); c.-7+10A>T (NM_001349956.3, NM_145862.3, NM_001438295.1 and 3 more transcripts); c.-784+10A>T (NM_001257387.3).
Identifiers: ClinVar variation 511708 (VCV000511708.1), dbSNP rs1057520794, ClinGen allele CA658799530.

ClinVar aggregate classification (germline): Likely benign (1 of 4 stars; one submission).

gnomAD v4.1: 1 of 414,288 alleles (0.00024%); highest among the groups gnomAD compares: Admixed American, 0.004%; no homozygotes.

Submission:

GeneDx
Classification: Likely benign. Last evaluated: 2017-08-24. Review status: criteria provided, single submitter. Criteria: GeneDx Variant Classification (06012015). Collection method: clinical testing. Allele origin: germline. Affected: yes.
Comment: This variant is considered likely benign or benign based on one or more of the following criteria: it is a conservative change, it occurs at a poorly conserved position in the protein, it is predicted to be benign by multiple in silico algorithms, and/or has population frequency not consistent with disease.